The following is an entry in ClinVar:

NM_003922.4(HERC1):c.13996A>G (p.Ile4666Val)

Gene: HERC1 (HECT and RLD domain containing E3 ubiquitin protein ligase family member 1; minus strand). Cytogenetic location: 15q22.31.
Variant type: single nucleotide variant.
Coding change: c.13996A>G on transcript NM_003922.4 (MANE Select); coding-DNA position 13996, A replaced by G.
Protein change: p.Ile4666Val; replaces isoleucine 4666 with valine.
Molecular consequence: missense variant.
Genome position (GRCh38, 1-based): chr15:63,615,866, T>C on the plus strand (A>G on the coding strand, the complement: HERC1 is on the minus strand). VCF-style: chr15-63615866-T-C. GRCh37 (hg19) VCF-style: chr15-63908065-T-C.
Other names: short protein forms I4666V.
Identifiers: ClinVar variation 4690745 (VCV004690745.1).

ClinVar aggregate classification (germline): Uncertain significance (1 of 4 stars; one submission).

gnomAD v4.1: 16 of 1,607,090 alleles (0.001%); highest among the groups gnomAD compares: African/African-American, 0.008%; no homozygotes.

Submission:

Labcorp Genetics (formerly Invitae), Labcorp
Classification: Uncertain significance. Last evaluated: 2025-08-04. Review status: criteria provided, single submitter. Criteria: Invitae Variant Classification Sherloc (09022015). Collection method: clinical testing. Allele origin: germline.
Comment: This sequence change replaces isoleucine, which is neutral and non-polar, with valine, which is neutral and non-polar, at codon 4666 of the HERC1 protein (p.Ile4666Val). The frequency data for this variant in the population databases is considered unreliable, as metrics indicate poor data quality at this position in the gnomAD database. This variant has not been reported in the literature in individuals affected with HERC1-related conditions. Invitae Evidence Modeling of protein sequence and biophysical properties (such as structural, functional, and spatial information, amino acid conservation, physicochemical variation, residue mobility, and thermodynamic stability) indicates that this missense variant is expected to disrupt HERC1 protein function with a positive predictive value of 80%. In summary, the available evidence is currently insufficient to determine the role of this variant in disease. Therefore, it has been classified as a Variant of Uncertain Significance.